The following is an entry in ClinVar:

ClinVar aggregate classification (germline): Likely benign (0 of 4 stars; one submission).

Conditions:
KIDINS220-related disorder. Also called: KIDINS220-related condition.

gnomAD v4.1: 9 of 1,601,802 alleles (0.00056%); highest among the groups gnomAD compares: African/African-American, 0.004%; no homozygotes.

Submission:

PreventionGenetics, part of Exact Sciences
Classification: Likely benign for KIDINS220-related condition. Last evaluated: 2022-09-21. Review status: no assertion criteria provided. Collection method: clinical testing. Allele origin: germline.
Comment: This variant is classified as likely benign based on ACMG/AMP sequence variant interpretation guidelines (Richards et al. 2015 PMID: 25741868, with internal and published modifications).

NM_020738.4(KIDINS220):c.3453C>T (p.Tyr1151=)

Gene: KIDINS220 (kinase D interacting substrate 220; minus strand). Cytogenetic location: 2p25.1.
Variant type: single nucleotide variant.
Coding change: c.3453C>T on transcript NM_020738.4 (MANE Select); coding-DNA position 3453, C replaced by T.
Protein change: p.Tyr1151=; no amino-acid change (tyrosine 1151 retained).
Molecular consequence: synonymous variant. On other transcripts: non-coding transcript variant (1), intron variant (8).
Genome position (GRCh38, 1-based): chr2:8,747,962, G>A on the plus strand (C>T on the coding strand, the complement: KIDINS220 is on the minus strand). VCF-style: chr2-8747962-G-A. GRCh37 (hg19) VCF-style: chr2-8888092-G-A.
Other names: c.3456C>T, p.Tyr1152= (NM_001348729.2, NM_001348731.2); c.3453C>T, p.Tyr1151= (NM_001348732.2, NM_001348738.2); c.3414+2150C>T (NM_001348741.2, NM_001348742.2, NM_001348743.2 and 1 more transcripts); c.3417+2150C>T (NM_001348739.2, NM_001348740.2, NM_001348734.2); c.3288+2150C>T (NM_001348736.2).
Identifiers: ClinVar variation 3353718 (VCV003353718.1).